The following is an entry in ClinVar:

ClinVar aggregate classification (germline): Uncertain significance (1 of 4 stars; one submission).

Conditions:
Inborn genetic diseases. Identifiers: MedGen C0950123, MeSH D030342.

Allele frequency attached by ClinVar (database versions not stated): ExAC 0.00083.

Submission:

Ambry Genetics
Classification: Uncertain significance for Inborn genetic diseases. Last evaluated: 2021-09-24. Review status: criteria provided, single submitter. Criteria: Ambry Variant Classification Scheme 2023. Collection method: clinical testing. Allele origin: germline.
Comment: The c.897+4T>A intronic alteration consists of a T to A substitution nucleotides after coding exon 8 in the MFF gene. Based on insufficient or conflicting evidence, the clinical significance of this alteration remains unclear.

NM_001277062.2(MFF):c.744+4T>A

Gene: MFF (mitochondrial fission factor; plus strand). Cytogenetic location: 2q36.3.
Variant type: single nucleotide variant.
Coding change: c.744+4T>A on transcript NM_001277062.2 (MANE Select); 4 bases into the intron after coding-DNA position 744, T replaced by A.
Molecular consequence: intron variant.
Genome position (GRCh38, 1-based): chr2:227,355,765, T>A. VCF-style: chr2-227355765-T-A. GRCh37 (hg19) VCF-style: chr2-228220481-T-A.
Other names: c.897+4T>A (NM_001277061.2, NM_020194.5); c.600+4T>A (NM_001277063.2); c.585+4T>A (NM_001277064.2); c.525+4T>A (NM_001277065.2, NM_001277066.2); c.534+4T>A (NM_001277067.1); c.627+4T>A (NM_001277068.1).
Identifiers: ClinVar variation 2222568 (VCV002222568.2), dbSNP rs751666053, ClinGen allele CA2148066.
Genomic context (GRCh38, chr2:227,355,765, plus strand): 5'-ATTGAAGGAACGTCAGATGACCTGACTGTTGTAGATGCAGCTTCACTAAGACGACAGGTA[T>A]TTAGTGTACCAAATAAGATATATTTCTCAGTTATATTCATACAATATTTTAAAGTGATAG-3'